The following is an entry in ClinVar:

ClinVar aggregate classification (germline): Uncertain significance (1 of 4 stars; one submission).

Allele frequency attached by ClinVar (database versions not stated): gnomAD exomes 0.00001.
gnomAD v4.1: 9 of 1,613,344 alleles (0.00056%); highest among the groups gnomAD compares: South Asian, 0.0022%; no homozygotes.

Submission:

Labcorp Genetics (formerly Invitae), Labcorp
Classification: Uncertain significance. Last evaluated: 2022-07-26. Review status: criteria provided, single submitter. Criteria: Invitae Variant Classification Sherloc (09022015). Collection method: clinical testing. Allele origin: germline.
Comment: This sequence change replaces arginine, which is basic and polar, with tryptophan, which is neutral and slightly polar, at codon 463 of the NDUFS2 protein (p.Arg463Trp). This variant is present in population databases (no rsID available, gnomAD 0.003%). This variant has not been reported in the literature in individuals affected with NDUFS2-related conditions. Algorithms developed to predict the effect of missense changes on protein structure and function (SIFT, PolyPhen-2, Align-GVGD) all suggest that this variant is likely to be disruptive. In summary, the available evidence is currently insufficient to determine the role of this variant in disease. Therefore, it has been classified as a Variant of Uncertain Significance.

NM_001377299.1(NDUFS2):c.1387C>T (p.Arg463Trp)

Gene: NDUFS2 (NADH:ubiquinone oxidoreductase core subunit S2; plus strand). Cytogenetic location: 1q23.3.
Variant type: single nucleotide variant.
Coding change: c.1387C>T on transcript NM_001377299.1 (MANE Select); coding-DNA position 1387, C replaced by T.
Protein change: p.Arg463Trp; replaces arginine 463 with tryptophan.
Molecular consequence: missense variant. On other transcripts: 3 prime UTR variant (4), non-coding transcript variant (1).
Genome position (GRCh38, 1-based): chr1:161,214,188, C>T. VCF-style: chr1-161214188-C-T. GRCh37 (hg19) VCF-style: chr1-161183978-C-T.
Other names: c.*247C>T (NM_001166159.2, NM_001377300.1, NM_001377301.1); c.1387C>T, p.Arg463Trp (NM_001377298.1, NM_004550.5); c.*38C>T (NM_001377302.1); c.1309C>T, p.Arg437Trp (NM_001410889.1); short protein forms R437W, R463W.
Identifiers: ClinVar variation 1713829 (VCV001713829.3), dbSNP rs932640288, ClinGen allele CA343383460.